The following is an entry in ClinVar:

NM_001080512.3(BICC1):c.1718A>G (p.His573Arg)

Gene: BICC1 (BicC family RNA binding protein 1; plus strand). Cytogenetic location: 10q21.1.
Variant type: single nucleotide variant.
Coding change: c.1718A>G on transcript NM_001080512.3 (MANE Select); coding-DNA position 1718, A replaced by G.
Protein change: p.His573Arg; replaces histidine 573 with arginine.
Molecular consequence: missense variant.
Genome position (GRCh38, 1-based): chr10:58,799,245, A>G. VCF-style: chr10-58799245-A-G. GRCh37 (hg19) VCF-style: chr10-60559005-A-G.
Other names: short protein forms H573R.
Identifiers: ClinVar variation 992901 (VCV000992901.2), dbSNP rs780599737, ClinGen allele CA5508564.

ClinVar aggregate classification (germline): Uncertain significance. Review status: criteria provided, multiple submitters, no conflicts (2 of 4 stars). 2 submissions from 2 submitters: Uncertain significance (2). Last evaluated 2021-09-29.

Conditions:
Renal dysplasia, cystic, susceptibility to. Identifiers: MedGen C3275898, MONDO:0011037, OMIM 601331.

Allele frequency attached by ClinVar (database versions not stated): gnomAD exomes below 0.00001; ExAC 0.00002.
gnomAD v4.1: 1 of 1,596,766 alleles (0.000063%); highest among the groups gnomAD compares: Non-Finnish European, 0.000085%; no homozygotes.

Submissions (2):

Fulgent Genetics
Classification: Uncertain significance for Renal dysplasia, cystic, susceptibility to. Last evaluated: 2021-09-29. Review status: criteria provided, single submitter. Criteria: ACMG Guidelines, 2015. Collection method: clinical testing. Allele origin: unknown.

Johns Hopkins Genomics, Johns Hopkins University
Classification: Uncertain significance for Renal dysplasia, cystic, susceptibility to. Last evaluated: 2021-01-14. Review status: criteria provided, single submitter. Criteria: ACMG Guidelines, 2015. Collection method: clinical testing. Allele origin: germline.
Comment: This variant (rs780599737) is rare (<0.1%) in a large population dataset4 (gnomAD: 1/221922 total alleles; 0.0005%; no homozygotes) and has not been reported in ClinVar nor the literature, to our knowledge. Of three bioinformatics tools queried, two predict that the substitution would be damaging, while one predicts that it would be tolerated. The histidine residue at this position is highly evolutionarily conserved across most species assessed. We consider the clinical significance of c.1718A>G to be uncertain at this time.